The following is an entry in ClinVar:

ClinVar aggregate classification (germline): Pathogenic/Likely pathogenic. Review status: criteria provided, multiple submitters, no conflicts (2 of 4 stars). 5 submissions from 5 submitters: Pathogenic (1); Likely pathogenic (4). Last evaluated 2024-06-07.

Conditions:
Holocarboxylase synthetase deficiency. Also called: MULTIPLE CARBOXYLASE DEFICIENCY, EARLY ONSET. Identifiers: Orphanet 79242, MedGen C0268581, MONDO:0009666, OMIM 253270.

Allele frequency attached by ClinVar (database versions not stated): gnomAD exomes below 0.00001.

Submissions (5):

Natera, Inc.
Classification: Likely pathogenic for Holocarboxylase synthetase deficiency. Last evaluated: 2024-06-07. Review status: criteria provided, single submitter. Criteria: Natera Variant Classification Schema (03/2026). Collection method: clinical testing. Allele origin: germline.
Comment: The c.1190delA variant in HLCS is a frameshift variant predicted to shift the reading frame beginning at codon 397 and leads to a stop codon 17 codons downstream. This variant is expected to result in nonsense mediated decay, truncation, or a dysfunctional protein product. This variant is rare in the general population with a frequency below the threshold expected for the associated phenotype(s). Given the available evidence, this variant is classified as Likely Pathogenic.

Fulgent Genetics
Classification: Likely pathogenic for Holocarboxylase synthetase deficiency. Last evaluated: 2024-05-23. Review status: criteria provided, single submitter. Criteria: ACMG Guidelines, 2015. Collection method: clinical testing. Allele origin: germline.

Baylor Genetics
Classification: Likely pathogenic for Holocarboxylase synthetase deficiency. Last evaluated: 2023-08-06. Review status: criteria provided, single submitter. Criteria: ACMG Guidelines, 2015. Collection method: clinical testing. Allele origin: unknown.

Labcorp Genetics (formerly Invitae), Labcorp
Classification: Pathogenic for Holocarboxylase synthetase deficiency. Last evaluated: 2022-08-15. Review status: criteria provided, single submitter. Criteria: Invitae Variant Classification Sherloc (09022015). Collection method: clinical testing. Allele origin: germline.
Comment: This variant has not been reported in the literature in individuals affected with HLCS-related conditions. This variant is not present in population databases (gnomAD no frequency). This sequence change creates a premature translational stop signal (p.Asp397Valfs*17) in the HLCS gene. It is expected to result in an absent or disrupted protein product. Loss-of-function variants in HLCS are known to be pathogenic (PMID: 16134170). For these reasons, this variant has been classified as Pathogenic.

Revvity Omics, Revvity
Classification: Likely pathogenic for Holocarboxylase synthetase deficiency. Last evaluated: 2022-02-03. Review status: criteria provided, single submitter. Criteria: ACMG Guidelines, 2015. Collection method: clinical testing. Allele origin: germline.

Literature cited by the submitters: PubMed 16134170 (cited by Labcorp Genetics (formerly Invitae), Labcorp).

NM_001352514.2(HLCS):c.1631del (p.Asp544fs)

Gene: HLCS (holocarboxylase synthetase; minus strand). Cytogenetic location: 21q22.13.
Variant type: Deletion.
Coding change: c.1631del on transcript NM_001352514.2 (MANE Select); coding-DNA position 1631, one base deleted (A; older notation c.1631delA).
Protein change: p.Asp544fs; shifts the reading frame from aspartic acid 544.
Molecular consequence: frameshift variant. On other transcripts: non-coding transcript variant (2).
Genome position (GRCh38, 1-based): chr21:36,897,121, T deleted on the plus strand (A on the coding strand, the reverse complement: HLCS is on the minus strand). VCF-style (leftmost placement, unchanged base first): chr21-36897120-AT-A. GRCh37 (hg19) VCF-style: chr21-38269420-AT-A.
Other names: c.1190delA (NM_000411.7); c.1190del, p.Asp397fs (NM_000411.8, NM_001242784.3, NM_001242785.2 and 4 more transcripts); short protein forms D544fs, D397fs.
Identifiers: ClinVar variation 1983627 (VCV001983627.10), dbSNP rs2517424327, ClinGen allele CA2580098672.